The following is an entry in ClinVar:

NM_001320.7(CSNK2B):c.94G>A (p.Asp32Asn)

Gene: CSNK2B (casein kinase 2 beta; plus strand). Cytogenetic location: 6p21.33.
Variant type: single nucleotide variant.
Coding change: c.94G>A on transcript NM_001320.7 (MANE Select); coding-DNA position 94, G replaced by A.
Protein change: p.Asp32Asn; replaces aspartic acid 32 with asparagine.
Molecular consequence: missense variant.
Genome position (GRCh38, 1-based): chr6:31,667,889, G>A. VCF-style: chr6-31667889-G-A. GRCh37 (hg19) VCF-style: chr6-31635666-G-A.
Other names: c.94G>A, p.Asp32Asn (NM_001282385.2); short protein forms D32N.
Identifiers: ClinVar variation 520596 (VCV000520596.21), dbSNP rs1554169984, ClinGen allele CA363471803.
Genomic context (GRCh38, chr6:31,667,889, plus strand): 5'-TTTGATATGGGTTCCCTCTTGGCTTCCATGTCCTGACAGGTGGATGAAGACTACATCCAG[G>A]ACAAATTTAATCTTACTGGACTCAATGAGCAGGTCCCTCACTATCGACAAGCTCTAGACA-3'
Protein context (NP_001311.3, residues 22-42): FCEVDEDYIQ[Asp32Asn]KFNLTGLNEQ

ClinVar aggregate classification (germline): Pathogenic/Likely pathogenic. Review status: criteria provided, multiple submitters, no conflicts (2 of 4 stars). 9 submissions from 9 submitters: Pathogenic (6); Likely pathogenic (1). 2 of the submissions do not count toward it. Last evaluated 2025-05-27.

Conditions:
Poirier-Bienvenu neurodevelopmental syndrome (POBINDS). Identifiers: Orphanet 689397, MedGen C5231482, MONDO:0032889, OMIM 618732.
CSNK2B-related disorder. Also called: CSNK2B-related condition.
Syndactyly. Also called: Webbed fingers or toes. Identifiers: MedGen C0039075, MONDO:0021002, HP:0001159.
Asymmetry of the ears. Identifiers: MedGen C1168239, HP:0010722.
Tapered finger. Also called: Tapered fingers; Tapering fingers. Identifiers: MedGen C0426886, HP:0001182.
Toe clinodactyly. Identifiers: MedGen C4021770, HP:0001863.
Mandibular prognathia. Also called: Habsburg jaw; Hapsburg jaw; Class III malocclusion. Identifiers: Orphanet 2964, MedGen C0399526, MeSH D008313, MONDO:0008312, OMIM 176700, HP:0000303.
Abnormal facial shape. Also called: Dysmorphic facial features; Dysmorphic facies. Identifiers: MedGen C0424503, HP:0001999.
Seizure. Also called: Seizures. Identifiers: MedGen C0036572, HP:0001250.
Deeply set eye. Also called: Deep-set eyes; sunken eyes. Identifiers: MedGen C0423224, HP:0000490.
Pointed chin. Identifiers: MedGen C1844505, HP:0000307.
Underdeveloped nasal alae. Identifiers: MedGen C1834055, HP:0000430.
Thin upper lip vermilion. Identifiers: MedGen C1865017, HP:0000219.
Intellectual disability. Also called: intellectual disabilities; Intellectual functioning disability; Intellectual developmental disorder. Identifiers: MedGen C3714756, MeSH D008607, MONDO:0001071, HP:0001249.
Inborn genetic diseases. Identifiers: MedGen C0950123, MeSH D030342.

Submissions (9):

Victorian Clinical Genetics Services, Murdoch Childrens Research Institute
Classification: Pathogenic for Poirier-Bienvenu neurodevelopmental syndrome. Last evaluated: 2025-05-27. Review status: criteria provided, single submitter. Criteria: ACMG Guidelines, 2015. Collection method: clinical testing. Allele origin: germline. Affected: yes.
Comment: This variant is classified as Pathogenic. Evidence in support of pathogenic classification: Variant is absent from gnomAD (v2, v3 and v4); This variant has strong previous evidence of pathogenicity in unrelated individuals. This variant has been classified as pathogenic/likely pathogenic by clinical laboratories in ClinVar, and reported in the literature in individuals with CSNK2B-related features, at least one of whom was reported as de novo (PMIDs: 34041744, 35571680); Variant is located in a hotspot region or cluster of PATHOGENIC variants. Pathogenic missense variants have been reported to cluster at this residue (PMIDs: 35571680, 36833176); Additional information: Variant is predicted to result in a missense amino acid change from aspartic acid to asparagine; This variant is heterozygous; This gene is associated with autosomal dominant disease; Missense variant with inconclusive in silico prediction and uninformative conservation; Loss of function is a known mechanism of disease in this gene and is associated with Poirier-Bienvenu neurodevelopmental syndrome (MIM#618732). Dominant negative is a suggested mechanism for missense variants (PMID: 35571680).

Ambry Genetics
Classification: Pathogenic for Inborn genetic diseases. Last evaluated: 2024-09-05. Review status: criteria provided, single submitter. Criteria: Ambry Variant Classification Scheme 2023. Collection method: clinical testing. Allele origin: germline.
Comment: The c.94G>A (p.D32N) alteration is located in exon 3 (coding exon 2) of the CSNK2B gene. This alteration results from a G to A substitution at nucleotide position 94, causing the aspartic acid (D) at amino acid position 32 to be replaced by an asparagine (N). This variant was not reported in population-based cohorts in the Genome Aggregation Database (gnomAD). This variant has been determined to be the result of a de novo mutation in multiple individuals with features consistent with CSNK2B-related neurodevelopmental disease (Asif, 2022; Hiraide, 2021; Ernst, 2021). This amino acid position is highly conserved in available vertebrate species. This missense alteration is located in a region that has a low rate of benign missense variation (Lek, 2016; Firth, 2009). Functional studies suggest that this variant results in loss of function; however, additional evidence is needed to confirm this finding (Asif, 2022). The in silico prediction for the p.D32N alteration is inconclusive. Based on the available evidence, this alteration is classified as pathogenic.

Illumina Laboratory Services, Illumina
Classification: Pathogenic for Poirier-Bienvenu neurodevelopmental syndrome. Last evaluated: 2024-06-11. Review status: criteria provided, single submitter. Criteria: ICSLVariantClassificationCriteria RUGD 01 April 2020. Collection method: clinical testing. Allele origin: unknown.

PreventionGenetics, part of Exact Sciences
Classification: Likely pathogenic for CSNK2B-related condition. Last evaluated: 2023-02-08. Review status: criteria provided, single submitter. Criteria: ACMG Guidelines, 2015. Collection method: clinical testing. Allele origin: germline.
Comment: The CSNK2B c.94G>A variant is predicted to result in the amino acid substitution p.Asp32Asn. This variant has been reported de novo in an individual with profound developmental delay, intellectual disability, cerebellar atrophy and additional neurologic features (Tables 2 and S1, Subject 329, Hiraide et al. 2021. PubMed ID: 33644862). This variant has also been reported de novo in an additional individual with moderate intellectual disability, wide-based ataxic gait, mild dysmorphic features, and absence seizures (Table S1, Ernst et al. 2021. PubMed ID: 34041744). This variant has not been reported in a large population database, indicating this variant is rare. Of note, de novo variants in this gene are commonly reported to be causative for CSNK2B-associated disorders (Okur et al. 2016. PubMed ID: 27048600; Nakashima et al. 2019. PubMed ID: 30655572; Li et al. 2019. PubMed ID: 31784560). This variant is interpreted as likely pathogenic.

Laboratorio de Genetica e Diagnostico Molecular, Hospital Israelita Albert Einstein
Classification: Pathogenic for Poirier-Bienvenu neurodevelopmental syndrome. Last evaluated: 2022-08-13. Review status: criteria provided, single submitter. Criteria: ACMG Guidelines, 2015. Collection method: clinical testing. Allele origin: germline. Affected: yes. Observed: 1 variant allele.
Comment: ACMG classification criteria: PS4 strong, PM2 moderated, PM5 moderated, PM6 moderated, PP2 supporting

GeneDx
Classification: Pathogenic. Last evaluated: 2021-12-16. Review status: criteria provided, single submitter. Criteria: GeneDx Variant Classification Process June 2021. Collection method: clinical testing. Allele origin: germline. Affected: yes.
Comment: Not observed at significant frequency in large population cohorts (gnomAD); In silico analysis supports that this missense variant has a deleterious effect on protein structure/function; This variant is associated with the following publications: (PMID: 33644862, 34041744)

Labcorp Genetics (formerly Invitae), Labcorp
Classification: Pathogenic. Last evaluated: 2021-09-15. Review status: criteria provided, single submitter. Criteria: Invitae Variant Classification Sherloc (09022015). Collection method: clinical testing. Allele origin: germline.
Comment: For these reasons, this variant has been classified as Pathogenic. Algorithms developed to predict the effect of missense changes on protein structure and function are either unavailable or do not agree on the potential impact of this missense change (SIFT: "Deleterious"; PolyPhen-2: "Probably Damaging"; Align-GVGD: "Class C0"). ClinVar contains an entry for this variant (Variation ID: 520596). This missense change has been observed in individual(s) with CSNK2B-related conditions (PMID: 33644862, 34041744; Invitae). In at least one individual the variant was observed to be de novo. This variant is not present in population databases (ExAC no frequency). This sequence change replaces aspartic acid with asparagine at codon 32 of the CSNK2B protein (p.Asp32Asn). The aspartic acid residue is highly conserved and there is a small physicochemical difference between aspartic acid and asparagine.

Department of Neurology, Children's Hospital of Nanjing Medical University
Classification: Likely pathogenic for Poirier-Bienvenu neurodevelopmental syndrome. Last evaluated: 2025-12-03. Review status: no assertion criteria provided. Collection method: clinical testing. Allele origin: de novo. Inheritance: Autosomal dominant inheritance. Affected: yes. Observed: 1 variant allele, 1 heterozygote. Not counted in ClinVar's aggregate classification.
Comment: The variant has been detected as de novo in one or more phenotypically relevant families with confirmed pedigree relationships, meeting the criterion 2 ≤ PS2-Case_Score < 4. The allele frequency in population databases is less than 0.0005. The variant is a missense variant located in a gene with a mis_Z score ≥ 3.09 in the gnomAD database. Multiple bioinformatic prediction tools support that this variant is deleterious to the gene/gene product or affects splicing, reaching the supporting threshold level.

Cologne Center for Genomics, Faculty of Medicine, University of Cologne
Classification: Pathogenic for Intellectual disability; Seizure; Syndactyly; Tapered finger; Toe clinodactyly; Abnormal facial shape; Deeply set eye; Underdeveloped nasal alae; Thin upper lip vermilion; Mandibular prognathia; Pointed chin; Asymmetry of the ears. Last evaluated: 2022-04-11. Review status: no assertion criteria provided. Collection method: research. Allele origin: de novo. Inheritance: Sporadic. Affected: yes. Not counted in ClinVar's aggregate classification.
Comment: Causing a new intellectual disability-craniodigital syndrome (IDCS)

Literature cited by the submitters: PubMed 34041744 (cited by 3 submitters); PubMed 35571680 (cited by Victorian Clinical Genetics Services, Murdoch Childrens Research Institute and Ambry Genetics); PubMed 36833176 (cited by Victorian Clinical Genetics Services, Murdoch Childrens Research Institute); PubMed 33644862 (cited by Ambry Genetics and Labcorp Genetics (formerly Invitae), Labcorp).